The following is an entry in ClinVar:

ClinVar aggregate classification (germline): Uncertain significance. Review status: criteria provided, multiple submitters, no conflicts (2 of 4 stars). 2 submissions from 2 submitters: Uncertain significance (2). Last evaluated 2025-12-24.

Conditions:
Gastrointestinal stromal tumor. Also called: Gastrointestinal stroma tumor; Gastrointestinal stromal tumor, somatic. Identifiers: Orphanet 44890, MedGen C0238198, MeSH D046152, MONDO:0011719, OMIM 606764, HP:0100723.
Hereditary cancer-predisposing syndrome. Also called: Tumor predisposition; Hereditary Cancer Syndrome; Neoplastic Syndromes, Hereditary; Hereditary neoplastic syndrome. Identifiers: Orphanet 140162, MedGen C0027672, MeSH D009386, MONDO:0015356.

Submissions (2):

Labcorp Genetics (formerly Invitae), Labcorp
Classification: Uncertain significance for Gastrointestinal stromal tumor. Last evaluated: 2025-12-24. Review status: criteria provided, single submitter. Criteria: Invitae Variant Classification Sherloc (09022015). Collection method: clinical testing. Allele origin: germline.
Comment: This sequence change replaces alanine, which is neutral and non-polar, with threonine, which is neutral and polar, at codon 827 of the PDGFRA protein (p.Ala827Thr). This variant is not present in population databases (gnomAD no frequency). This variant has not been reported in the literature in individuals affected with PDGFRA-related conditions. ClinVar contains an entry for this variant (Variation ID: 1349402). Invitae Evidence Modeling of protein sequence and biophysical properties (such as structural, functional, and spatial information, amino acid conservation, physicochemical variation, residue mobility, and thermodynamic stability) has been performed for this missense variant. However, the output from this modeling did not meet the statistical confidence thresholds required to predict the impact of this variant on PDGFRA protein function. In summary, the available evidence is currently insufficient to determine the role of this variant in disease. Therefore, it has been classified as a Variant of Uncertain Significance.

Ambry Genetics
Classification: Uncertain significance for Hereditary cancer-predisposing syndrome. Last evaluated: 2022-05-22. Review status: criteria provided, single submitter. Criteria: Ambry Variant Classification Scheme 2023. Collection method: clinical testing. Allele origin: germline.
Comment: The p.A827T variant (also known as c.2479G>A), located in coding exon 17 of the PDGFRA gene, results from a G to A substitution at nucleotide position 2479. The alanine at codon 827 is replaced by threonine, an amino acid with similar properties. This amino acid position is conserved. In addition, the in silico prediction for this alteration is inconclusive. Since supporting evidence is limited at this time, the clinical significance of this alteration remains unclear.

NM_006206.6(PDGFRA):c.2479G>A (p.Ala827Thr)

Gene: PDGFRA (platelet derived growth factor receptor alpha; plus strand). Cytogenetic location: 4q12.
Variant type: single nucleotide variant.
Coding change: c.2479G>A on transcript NM_006206.6 (MANE Select); coding-DNA position 2479, G replaced by A.
Protein change: p.Ala827Thr; replaces alanine 827 with threonine.
Molecular consequence: missense variant.
Genome position (GRCh38, 1-based): chr4:54,285,880, G>A. VCF-style: chr4-54285880-G-A. GRCh37 (hg19) VCF-style: chr4-55152047-G-A.
Other names: c.2554G>A, p.Ala852Thr (NM_001347828.2); c.2479G>A, p.Ala827Thr (NM_001347829.2); c.2518G>A, p.Ala840Thr (NM_001347830.2); short protein forms A852T, A827T, A840T.
Identifiers: ClinVar variation 1349402 (VCV001349402.8), dbSNP rs1560489433, ClinGen allele CA356894928.